The following is an entry in ClinVar:

ClinVar aggregate classification (germline): Benign. Review status: criteria provided, multiple submitters, no conflicts (2 of 4 stars). 4 submissions from 4 submitters: Benign (3). 1 of the submissions does not count toward it. Last evaluated 2026-01-27.

Conditions:
SCARB1-related disorder. Also called: SCARB1-related condition.

Allele frequency attached by ClinVar (database versions not stated): gnomAD exomes 0.00440; ExAC 0.01395; gnomAD 0.02803 and 0.03009; 1000 Genomes Project 0.03035; TOPMed 0.03130; ESP Exome Variant Server 0.03141; 1000 Genomes Project 30x 0.03295.
gnomAD v4.1: 8,063 of 1,529,510 alleles (0.53%); highest among the groups gnomAD compares: African/African-American, 9.9%; 353 homozygotes.

Submissions (4):

Labcorp Genetics (formerly Invitae), Labcorp
Classification: Benign. Last evaluated: 2026-01-27. Review status: criteria provided, single submitter. Criteria: Invitae Variant Classification Sherloc (09022015). Collection method: clinical testing. Allele origin: germline.

GeneDx
Classification: Benign. Last evaluated: 2019-01-29. Review status: criteria provided, single submitter. Criteria: GeneDx Variant Classification Process June 2021. Collection method: clinical testing. Allele origin: germline. Affected: yes.

Breakthrough Genomics
Classification: Benign. Review status: criteria provided, single submitter. Criteria: ACMG Guidelines, 2015. Collection method: not provided. Allele origin: germline. Inheritance: Unknown mechanism. Affected: yes.

PreventionGenetics, part of Exact Sciences
Classification: Benign for SCARB1-related condition. Last evaluated: 2024-01-08. Review status: no assertion criteria provided. Collection method: clinical testing. Allele origin: germline. Not counted in ClinVar's aggregate classification.
Comment: This variant is classified as benign based on ACMG/AMP sequence variant interpretation guidelines (Richards et al. 2015 PMID: 25741868, with internal and published modifications).

NM_005505.5(SCARB1):c.12C>T (p.Ser4=)

Genes: SCARB1 (scavenger receptor class B member 1; minus strand), LOC130009157 (ATAC-STARR-seq lymphoblastoid silent region 5067; plus strand). Cytogenetic location: 12q24.31.
Variant type: single nucleotide variant.
Coding change: c.12C>T on transcript NM_005505.5 (MANE Select); coding-DNA position 12, C replaced by T.
Protein change: p.Ser4=; no amino-acid change (serine 4 retained).
Molecular consequence: synonymous variant. On other transcripts: non-coding transcript variant (9).
Genome position (GRCh38, 1-based): chr12:124,863,709, G>A on the plus strand (C>T on the coding strand, the complement: SCARB1 is on the minus strand). VCF-style: chr12-124863709-G-A. GRCh37 (hg19) VCF-style: chr12-125348255-G-A.
Other names: c.12C>T, p.Ser4= (NM_001082959.2, NM_001367981.1, NM_001367983.1 and 6 more transcripts).
Identifiers: ClinVar variation 1283556 (VCV001283556.12), dbSNP rs2070242, ClinGen allele CA6870731.